The following is an entry in ClinVar:

ClinVar aggregate classification (germline): Pathogenic/Likely pathogenic. Review status: criteria provided, multiple submitters, no conflicts (2 of 4 stars). 4 submissions from 4 submitters: Pathogenic (2); Likely pathogenic (1). 1 of the submissions does not count toward it. Last evaluated 2024-04-08.

Conditions:
Osteogenesis imperfecta, perinatal lethal (OI2). Also called: OI, TYPE II; OSTEOGENESIS IMPERFECTA CONGENITA; VROLIK TYPE OF OSTEOGENESIS IMPERFECTA; Osteogenesis imperfecta type 2; Osteogenesis imperfecta, dominant perinatal lethal; OSTEOGENESIS IMPERFECTA, TYPE II. Identifiers: Orphanet 216804, MedGen C0268358, MONDO:0008147, OMIM 166210.
Osteogenesis imperfecta type I (OI1). Also called: OI, TYPE I; OSTEOGENESIS IMPERFECTA TARDA; OSTEOGENESIS IMPERFECTA WITH BLUE SCLERAE; Osteogenesis imperfecta type 1; Classic Non-deforming Osteogenesis Imperfecta with Blue Sclerae; Lobstein's Disease. Identifiers: Orphanet 216796, Orphanet 666, MedGen C0023931, MONDO:0008146, OMIM 166200. Disease mechanism: loss of function.

Submissions (4):

Labcorp Genetics (formerly Invitae), Labcorp
Classification: Pathogenic for Osteogenesis imperfecta type I. Last evaluated: 2024-04-08. Review status: criteria provided, single submitter. Criteria: Invitae Variant Classification Sherloc (09022015). Collection method: clinical testing. Allele origin: germline.
Comment: This sequence change replaces glycine, which is neutral and non-polar, with arginine, which is basic and polar, at codon 326 of the COL1A1 protein (p.Gly326Arg). This variant is not present in population databases (gnomAD no frequency). This missense change has been observed in individuals with osteogenesis imperfecta (PMID: 17078022). ClinVar contains an entry for this variant (Variation ID: 1075143). Advanced modeling of protein sequence and biophysical properties (such as structural, functional, and spatial information, amino acid conservation, physicochemical variation, residue mobility, and thermodynamic stability) performed at Invitae indicates that this missense variant is expected to disrupt COL1A1 protein function with a positive predictive value of 95%. This variant disrupts the triple helix domain of COL1A1. Glycine residues within the Gly-Xaa-Yaa repeats of the triple helix domain are required for the structure and stability of fibrillar collagens (PMID: 7695699, 8218237, 19344236). In COL1A1, variants affecting these glycine residues are significantly enriched in individuals with disease (PMID: 9016532, 17078022) compared to the general population (ExAC). For these reasons, this variant has been classified as Pathogenic.

Athena Diagnostics
Classification: Pathogenic. Last evaluated: 2023-04-10. Review status: criteria provided, single submitter. Criteria: Athena Diagnostics Criteria. Collection method: clinical testing. Allele origin: unknown.
Comment: This variant has been identified in at least one individual with osteogenesis imperfecta. This variant has not been reported in large, multi-ethnic general populations. A majority of pathogenic missense variants in this gene involve the substitution of a glycine residue in the triple-helix domain, resulting in disruption of protein function (PMID: 29632050, 21421911, 19344236).

Mayo Clinic Laboratories, Mayo Clinic
Classification: Likely pathogenic. Last evaluated: 2022-04-07. Review status: criteria provided, single submitter. Criteria: ACMG Guidelines, 2015. Collection method: clinical testing. Allele origin: germline. Observed: 1 variant allele.
Comment: PP3, PP4, PM1, PM2, PM5

Genomics England Pilot Project, Genomics England
Classification: Likely pathogenic for Osteogenesis imperfecta, perinatal lethal. Review status: no assertion criteria provided. Criteria: ACGS Guidelines, 2016. Collection method: clinical testing. Allele origin: germline. Affected: yes. Not counted in ClinVar's aggregate classification.

Literature cited by the submitters: PubMed 17078022 (cited by Labcorp Genetics (formerly Invitae), Labcorp and Mayo Clinic Laboratories, Mayo Clinic); PubMed 7695699 (cited by Labcorp Genetics (formerly Invitae), Labcorp); PubMed 8218237 (cited by Labcorp Genetics (formerly Invitae), Labcorp); PubMed 19344236 (cited by Labcorp Genetics (formerly Invitae), Labcorp); PubMed 9016532 (cited by Labcorp Genetics (formerly Invitae), Labcorp); PubMed 28528406 (cited by Athena Diagnostics and Mayo Clinic Laboratories, Mayo Clinic); PubMed 25944380 (cited by Mayo Clinic Laboratories, Mayo Clinic); PubMed 27509835 (cited by Mayo Clinic Laboratories, Mayo Clinic).

NM_000088.4(COL1A1):c.976G>C (p.Gly326Arg)

Gene: COL1A1 (collagen type I alpha 1 chain; minus strand). Cytogenetic location: 17q21.33.
Variant type: single nucleotide variant.
Coding change: c.976G>C on transcript NM_000088.4 (MANE Select); coding-DNA position 976, G replaced by C.
Protein change: p.Gly326Arg; replaces glycine 326 with arginine.
Molecular consequence: missense variant.
Genome position (GRCh38, 1-based): chr17:50,196,181, C>G on the plus strand (G>C on the coding strand, the complement: COL1A1 is on the minus strand). VCF-style: chr17-50196181-C-G. GRCh37 (hg19) VCF-style: chr17-48273542-C-G.
Other names: p.Gly326Arg; short protein forms G326R.
Identifiers: ClinVar variation 1075143 (VCV001075143.15), dbSNP rs72645355, ClinGen allele CA400221365.